The following is an entry in ClinVar:

NM_001723.7(DST):c.7474C>T (p.Pro2492Ser)

Gene: DST (dystonin; minus strand). Cytogenetic location: 6p12.1.
Variant type: single nucleotide variant.
Coding change: c.7474C>T on transcript NM_001723.7 (MANE Plus Clinical); coding-DNA position 7474, C replaced by T.
Protein change: p.Pro2492Ser; replaces proline 2492 with serine.
Molecular consequence: missense variant. On other transcripts: intron variant (10).
Genome position (GRCh38, 1-based): chr6:56,615,993, G>A on the plus strand (C>T on the coding strand, the complement: DST is on the minus strand). VCF-style: chr6-56615993-G-A. GRCh37 (hg19) VCF-style: chr6-56480791-G-A.
Other names: c.4831-1509C>T (NM_001144769.5); c.4930-1509C>T (NM_001374722.1, NM_001374736.1); c.4957-1509C>T (NM_001374734.1); c.4417-1509C>T (NM_001144770.2); c.4297-1509C>T (NM_001374730.1, NM_001386100.1, NM_183380.4 and 1 more transcripts); c.3319-1509C>T (NM_015548.5); short protein forms P2492S.
Identifiers: ClinVar variation 567726 (VCV000567726.7), dbSNP rs746141989, ClinGen allele CA3869958.
Genomic context (GRCh38, chr6:56,615,993, plus strand): 5'-CCTCATCAACCAGGCCTCTATGCAAAGCTTCGGCCACCCGGTACTTTTTGCCAGTAAGAG[G>A]ATCAATTATGCCCCCTGTACTGACTTGGGCTTCAAGGCATCGGAGGGCAGTAATCCGATC-3'
Protein context (NP_001714.1, residues 2482-2502): AQVSTGGIID[Pro2492Ser]LTGKKYRVAE

ClinVar aggregate classification (germline): Uncertain significance (1 of 4 stars; one submission).

Conditions:
Epidermolysis bullosa simplex 3, localized or generalized intermediate, with BP230 deficiency (EBS3). Also called: Epidermolysis bullosa simplex due to BP230 deficiency; Epidermolysis bullosa simplex, autosomal recessive 2. Identifiers: Orphanet 412181, MedGen C3809470, MONDO:0014180, OMIM 615425.
Hereditary sensory and autonomic neuropathy type 6. Also called: HSAN VI; Neuropathy, hereditary sensory and autonomic, type VI. Identifiers: Orphanet 314381, MedGen C3539003, MONDO:0013839, OMIM 614653.

Allele frequency attached by ClinVar (database versions not stated): gnomAD exomes below 0.00001; ExAC 0.00001.

Submission:

Labcorp Genetics (formerly Invitae), Labcorp
Classification: Uncertain significance for Epidermolysis bullosa simplex 3, localized or generalized intermediate, with BP230 deficiency; Hereditary sensory and autonomic neuropathy type 6. Last evaluated: 2024-12-02. Review status: criteria provided, single submitter. Criteria: Invitae Variant Classification Sherloc (09022015). Collection method: clinical testing. Allele origin: germline.
Comment: This sequence change replaces proline, which is neutral and non-polar, with serine, which is neutral and polar, at codon 2492 of the DST protein (p.Pro2492Ser). This variant is present in population databases (rs746141989, gnomAD 0.0009%). This variant has not been reported in the literature in individuals affected with DST-related conditions. ClinVar contains an entry for this variant (Variation ID: 567726). An algorithm developed to predict the effect of missense changes on protein structure and function (PolyPhen-2) suggests that this variant is likely to be disruptive. In summary, the available evidence is currently insufficient to determine the role of this variant in disease. Therefore, it has been classified as a Variant of Uncertain Significance.